The following is an entry in ClinVar:

NM_000552.5(VWF):c.2554C>T (p.Gln852Ter)

Gene: VWF (von Willebrand factor; minus strand). Cytogenetic location: 12p13.31.
Variant type: single nucleotide variant.
Coding change: c.2554C>T on transcript NM_000552.5 (MANE Select); coding-DNA position 2554, C replaced by T.
Protein change: p.Gln852Ter; replaces glutamine 852 with a stop codon.
Molecular consequence: nonsense.
Genome position (GRCh38, 1-based): chr12:6,034,819, G>A on the plus strand (C>T on the coding strand, the complement: VWF is on the minus strand). VCF-style: chr12-6034819-G-A. GRCh37 (hg19) VCF-style: chr12-6143985-G-A.
Other names: c.2554_2555delinsTG (NM_000552.4); short protein forms Q852*.
Identifiers: ClinVar variation 4849356 (VCV004849356.2).

ClinVar aggregate classification (germline): Conflicting classifications of pathogenicity. Review status: criteria provided, conflicting classifications (1 of 4 stars). 2 submissions from 2 submitters: Likely pathogenic (1); Uncertain significance (1). Last evaluated 2025-08-25.

Conditions:
von Willebrand disease type 2 (VWD2). Also called: VON WILLEBRAND DISEASE, TYPE II; VWD, TYPE 2; VON WILLEBRAND DISEASE, TYPE 2A/IIE; VON WILLEBRAND DISEASE, TYPE 2CB. Identifiers: MedGen C1264040, MONDO:0013304, OMIM 613554, Orphanet 166081, Orphanet 903.
von Willebrand disease type 3 (VWD3). Also called: Type 3 Von Willebrand's disease; Type 3 VWD; Von Willebrand disease, severe form; V WD3; VON WILLEBRAND DISEASE, TYPE III. Identifiers: Orphanet 166096, MedGen C1264041, MONDO:0010191, OMIM 277480.
VWF-related disorder. Also called: VWF-related disorders; VWF-related condition.

gnomAD v4.1: 26 of 1,614,018 alleles (0.0016%); highest among the groups gnomAD compares: African/African-American, 0.0027%; no homozygotes.

Submissions (2):

PreventionGenetics, part of Exact Sciences
Classification: Uncertain significance for VWF-related condition. Last evaluated: 2025-08-25. Review status: criteria provided, single submitter. Criteria: ACMG Guidelines, 2015. Collection method: clinical testing. Allele origin: germline.
Comment: The VWF c.2554_2555delinsTG variant is predicted to result in an in-frame deletion and insertion. To our knowledge, this variant has not been reported in the literature or in a large population database (gnomAD), indicating this variant is rare. At this time, the clinical significance of this variant is uncertain due to the absence of conclusive functional and genetic evidence.

First Genomix Gene Laboratory, Genetic Diagnostics Department
Classification: Likely pathogenic for von Willebrand disease type 3; von Willebrand disease type 2. Last evaluated: 2025-07-18. Review status: criteria provided, single submitter. Criteria: ACMG Guidelines, 2015. Collection method: clinical testing. Allele origin: germline. Inheritance: Autosomal recessive inheritance. Affected: no. Observed: 1 variant allele.